The following is an entry in ClinVar:

ClinVar aggregate classification (germline): Pathogenic (1 of 4 stars; one submission).

Conditions:
Paget disease of bone 2, early-onset (PDB2). Also called: Paget disease of bone 2. Identifiers: MedGen C4085251, MONDO:0011183, OMIM 602080.
Frontotemporal dementia and/or amyotrophic lateral sclerosis 1 (FTDALS1). Also called: C9orf72 Frontotemporal Dementia and/or Amyotrophic Lateral Sclerosis; Frontotemporal dementia with motor neuron disease 1. Identifiers: Orphanet 275872, MedGen C5779877, MONDO:0007105, OMIM 105550.

Submission:

Labcorp Genetics (formerly Invitae), Labcorp
Classification: Pathogenic for Paget disease of bone 2, early-onset; Frontotemporal dementia and/or amyotrophic lateral sclerosis 1. Last evaluated: 2022-04-11. Review status: criteria provided, single submitter. Criteria: Invitae Variant Classification Sherloc (09022015). Collection method: clinical testing. Allele origin: germline.
Comment: For these reasons, this variant has been classified as Pathogenic. This variant disrupts the region of the SQSTM1 protein between codon 391 and 396. Other variants in this region have been observed in individuals with autosomal dominant SQSTM1-related conditions (PMID: 12374763, 14584883, 25664955), which suggests that this may be a clinically significant region of the protein. This variant is also known as 1215delC. This premature translational stop signal has been observed in individual(s) with Paget’s disease of bone (PMID: 14584883). This variant is not present in population databases (gnomAD no frequency). This sequence change creates a premature translational stop signal (p.Pro392Argfs*3) in the SQSTM1 gene. While this is not anticipated to result in nonsense mediated decay, it is expected to disrupt the last 49 amino acid(s) of the SQSTM1 protein.

Literature cited by the submitters: PubMed 12374763; PubMed 14584883; PubMed 25664955.

NM_003900.5(SQSTM1):c.1175del (p.Pro392fs)

Gene: SQSTM1 (sequestosome 1; plus strand). Cytogenetic location: 5q35.3.
Variant type: Deletion.
Coding change: c.1175del on transcript NM_003900.5 (MANE Select); coding-DNA position 1175, one base deleted (C; older notation c.1175delC).
Protein change: p.Pro392fs; shifts the reading frame from proline 392.
Molecular consequence: frameshift variant.
Genome position (GRCh38, 1-based): chr5:179,836,445, C deleted; the last of 3 consecutive C bases (chr5:179,836,443-179,836,445); deleting any one gives the same sequence. VCF-style (leftmost placement, unchanged base first): chr5-179836442-AC-A. GRCh37 (hg19) VCF-style: chr5-179263442-AC-A.
Other names: c.923del, p.Pro308fs (NM_001142298.2, NM_001142299.2); short protein forms P392fs, P308fs.
Identifiers: ClinVar variation 2136359 (VCV002136359.4), dbSNP rs2480264715, ClinGen allele CA2580074120.
Genomic context (GRCh38, chr5:179,836,442, plus strand): 5'-GGTCACTCACAGGGCTCAGCACCACTCCTCATGGCTTCCTTACTGTTTCGGCAGAGGCTG[AC>A]CCGCGGCTGATTGAGTCCCTCTCCCAGATGCTGTCCATGGGCTTCTCTGATGAAGGCGGC-3'